The following is an entry in ClinVar:

NM_006231.4(POLE):c.4154A>G (p.Asn1385Ser)

Gene: POLE (DNA polymerase epsilon, catalytic subunit; minus strand). Cytogenetic location: 12q24.33.
Variant type: single nucleotide variant.
Coding change: c.4154A>G on transcript NM_006231.4 (MANE Select); coding-DNA position 4154, A replaced by G.
Protein change: p.Asn1385Ser; replaces asparagine 1385 with serine.
Molecular consequence: missense variant.
Genome position (GRCh38, 1-based): chr12:132,643,973, T>C on the plus strand (A>G on the coding strand, the complement: POLE is on the minus strand). VCF-style: chr12-132643973-T-C. GRCh37 (hg19) VCF-style: chr12-133220559-T-C.
Other names: short protein forms N1385S.
Identifiers: ClinVar variation 3693957 (VCV003693957.2).
Genomic context (GRCh38, chr12:132,643,973, plus strand): 5'-TCCTCTGGCACTGAATACTCATAGAGATTGTAGACCATGTTGGAGCGAGGAAGGACCCGA[T>C]TTACCTGGCGAGAATACGACGATGATCTCGTCACTGGGCGTAAGTGGTAATGTCTGTGGT-3'
Protein context (NP_006222.2, residues 1375-1395): AEEGASYRKV[Asn1385Ser]RVLPRSNMVY

ClinVar aggregate classification (germline): Uncertain significance (1 of 4 stars; one submission).

gnomAD v4.1: 1 of 1,612,850 alleles (0.000062%); highest among the groups gnomAD compares: Admixed American, 0.0017%; no homozygotes.

Submission:

Labcorp Genetics (formerly Invitae), Labcorp
Classification: Uncertain significance. Last evaluated: 2024-12-24. Review status: criteria provided, single submitter. Criteria: Invitae Variant Classification Sherloc (09022015). Collection method: clinical testing. Allele origin: germline.
Comment: This sequence change replaces asparagine, which is neutral and polar, with serine, which is neutral and polar, at codon 1385 of the POLE protein (p.Asn1385Ser). This variant is present in population databases (no rsID available, gnomAD 0.003%). This variant has not been reported in the literature in individuals affected with POLE-related conditions. Invitae Evidence Modeling of protein sequence and biophysical properties (such as structural, functional, and spatial information, amino acid conservation, physicochemical variation, residue mobility, and thermodynamic stability) indicates that this missense variant is not expected to disrupt POLE protein function with a negative predictive value of 80%. Algorithms developed to predict the effect of sequence changes on RNA splicing suggest that this variant may disrupt the consensus splice site. In summary, the available evidence is currently insufficient to determine the role of this variant in disease. Therefore, it has been classified as a Variant of Uncertain Significance.